The following is an entry in ClinVar:

ClinVar aggregate classification (germline): Uncertain significance (1 of 4 stars; one submission).

Submission:

GeneDx
Classification: Uncertain significance. Last evaluated: 2024-11-11. Review status: criteria provided, single submitter. Criteria: GeneDx Variant Classification Process June 2021. Collection method: clinical testing. Allele origin: germline. Affected: yes.
Comment: Not observed at significant frequency in large population cohorts (gnomAD); In silico analysis supports that this missense variant has a deleterious effect on protein structure/function; Has not been previously published as pathogenic or benign to our knowledge

NM_004370.6(COL12A1):c.7435C>A (p.His2479Asn)

Gene: COL12A1 (collagen type XII alpha 1 chain; minus strand). Cytogenetic location: 6q13.
Variant type: single nucleotide variant.
Coding change: c.7435C>A on transcript NM_004370.6 (MANE Select); coding-DNA position 7435, C replaced by A.
Protein change: p.His2479Asn; replaces histidine 2479 with asparagine.
Molecular consequence: missense variant.
Genome position (GRCh38, 1-based): chr6:75,117,466, G>T on the plus strand (C>A on the coding strand, the complement: COL12A1 is on the minus strand). VCF-style: chr6-75117466-G-T. GRCh37 (hg19) VCF-style: chr6-75827182-G-T.
Other names: c.7435C>A, p.His2479Asn (NM_001424113.1); c.7414C>A, p.His2472Asn (NM_001424114.1); c.7162C>A, p.His2388Asn (NM_001424115.1); c.3943C>A, p.His1315Asn (NM_001424116.1, NM_080645.3); short protein forms H1315N, H2388N, H2472N, H2479N.
Identifiers: ClinVar variation 3898777 (VCV003898777.1).
Genomic context (GRCh38, chr6:75,117,466, plus strand): 5'-ATGTAATAAGATTGTCTTCGATCTTCTCAAAAGATTCAAAGTCGTCCACAATGAACACGT[G>T]CCGTTCACTTGGTTTGCTGGCAATGTTGGCAAGCTCATTGTAGTCGACATCAGCCACACC-3'
Protein context (NP_004361.3, residues 2469-2489): ANIASKPSER[His2479Asn]VFIVDDFESF